The following is an entry in ClinVar:

NM_177438.3(DICER1):c.5465A>T (p.Asp1822Val)

Gene: DICER1 (dicer 1, ribonuclease III; minus strand). Cytogenetic location: 14q32.13.
Variant type: single nucleotide variant.
Coding change: c.5465A>T on transcript NM_177438.3 (MANE Select); coding-DNA position 5465, A replaced by T.
Protein change: p.Asp1822Val; replaces aspartic acid 1822 with valine.
Molecular consequence: missense variant. On other transcripts: intron variant (1).
Genome position (GRCh38, 1-based): chr14:95,091,265, T>A on the plus strand (A>T on the coding strand, the complement: DICER1 is on the minus strand). VCF-style: chr14-95091265-T-A. GRCh37 (hg19) VCF-style: chr14-95557602-T-A.
Other names: NM_177438.2(DICER1):c.5465A>T; p.Asp1822Val; c.5465A>T, p.Asp1822Val (NM_001271282.3, NM_001291628.2, NM_030621.4); c.5365-156A>T (NM_001195573.1); short protein forms D1822V.
Identifiers: ClinVar variation 254350 (VCV000254350.7), dbSNP rs886037729, ClinGen allele CA10586400.

ClinVar aggregate classification (germline): Likely pathogenic. Review status: reviewed by expert panel (3 of 4 stars). 3 submissions from 3 submitters: Likely pathogenic (1). 2 of the submissions do not count toward it. Last evaluated 2026-09-01.

Conditions:
DICER1-related tumor predisposition. Also called: DICER1-related pleuropulmonary blastoma cancer predisposition syndrome; DICER1 syndrome. Identifiers: Orphanet 284343, MedGen C3839822, MONDO:0100216.

Submissions (3):

ClinGen DICER1 and miRNA-Processing Gene Variant Curation Expert Panel, ClinGen
Classification: Likely pathogenic for DICER1-related tumor predisposition. Last evaluated: 2026-09-01. Review status: reviewed by expert panel. Criteria: ClinGen DICER1 and miRNA-Processing Gene Expert Panel Specifications to the ACMG/AMP Variant Interpretation Guidelines for DICER1 Version 1.4. Collection method: curation. Allele origin: germline. Inheritance: Autosomal dominant inheritance.
Comment: The NM_177438.2:c.5465A>T variant in DICER1 is a missense variant predicted to cause substitution of aspartic acid by valine at amino acid 1822 (p.Asp1822Val). This variant received a total of 3 phenotype points across 3 unrelated probands meeting DICER1 VCEP phenotype specificity scoring criteria of 2-3.5 points (PMIDs: 26925222, 21266384) (PS4_Moderate). This variant is absent from gnomAD v4.1.0 (PM2_Supporting). An in vitro cleavage assay using immunopurified DICER1 variant Asp1822Val showed that this variant reduces the capacity of the protein to produce 5p/3p microRNAs from a pre-miRNA, indicating that it impacts protein function (Wu 2018, McGill University) (PS3_Supporting). This variant resides within the RNase IIIb domain of DICER1, which is defined as a mutational hotspot and critical functional domain by the ClinGen DICER1 VCEP (PMID: 31342592) (PM1_Supporting). In silico tools predict a damaging impact of the variant on protein function (REVEL: 0.954) (PP3). In summary, this variant meets the criteria to be classified as likely pathogenic for DICER1-related tumor predisposition based on the ACMG/AMP criteria applied, as specified by the ClinGen DICER1 VCEP: PS4_Moderate, PM1_Supporting, PM2_supporting, PS3_Supporting, PP3. (VCEP specifications version 1.4.0) Based on Tavtigian et al 2020 (PMID:32720330), the total points applied = 6, which equates to a classification of likely pathogenic.

Foulkes Cancer Genetics LDI, Lady Davis Institute for Medical Research
Classification: Likely pathogenic for Pleuropulmonary blastoma. Last evaluated: 2019-07-01. Review status: criteria provided, single submitter. Criteria: ACMG Guidelines, 2015. Collection method: curation. Allele origin: germline. Affected: yes. Observed: 3 variant alleles. Not counted in ClinVar's aggregate classification.
Comment: ACMG criteria met: PS3, PM1, PM2, PP4

International Pleuropulmonary Blastoma Registry, Children's Hospitals and Clinics of Minnesota
Classification: Pathogenic for Pleuropulmonary blastoma. Last evaluated: 2014-11-10. Review status: criteria provided, single submitter. Criteria: Hill et al. (Science. 2009). Collection method: clinical testing. Allele origin: germline. Affected: yes. Study: PPB-DICER1 Genetic study. Not counted in ClinVar's aggregate classification.

Literature cited by the submitters: PubMed 21266384 (cited by Foulkes Cancer Genetics LDI, Lady Davis Institute for Medical Research); PubMed 26925222 (cited by Foulkes Cancer Genetics LDI, Lady Davis Institute for Medical Research and International Pleuropulmonary Blastoma Registry, Children's Hospitals and Clinics of Minnesota).